The following is an entry in ClinVar:

ClinVar aggregate classification (germline): Uncertain significance (1 of 4 stars; one submission).

Conditions:
Inborn genetic diseases. Identifiers: MedGen C0950123, MeSH D030342.

Allele frequency attached by ClinVar (database versions not stated): TOPMed below 0.00001; gnomAD 0.00001.
gnomAD v4.1: 1 of 1,613,878 alleles (0.000062%); highest among the groups gnomAD compares: Admixed American, 0.0017%; no homozygotes.

Submission:

Ambry Genetics
Classification: Uncertain significance for Inborn genetic diseases. Last evaluated: 2021-11-09. Review status: criteria provided, single submitter. Criteria: Ambry Variant Classification Scheme 2023. Collection method: clinical testing. Allele origin: germline.
Comment: The p.E456K variant (also known as c.1366G>A), located in coding exon 3 of the NEFL gene, results from a G to A substitution at nucleotide position 1366. The glutamic acid at codon 456 is replaced by lysine, an amino acid with similar properties. This amino acid position is conserved. In addition, this alteration is predicted to be deleterious by in silico analysis. Since supporting evidence is limited at this time, the clinical significance of this alteration remains unclear.

NM_006158.5(NEFL):c.1366G>A (p.Glu456Lys)

Gene: NEFL (neurofilament light chain; minus strand). Cytogenetic location: 8p21.2.
Variant type: single nucleotide variant.
Coding change: c.1366G>A on transcript NM_006158.5 (MANE Select); coding-DNA position 1366, G replaced by A.
Protein change: p.Glu456Lys; replaces glutamic acid 456 with lysine.
Molecular consequence: missense variant.
Genome position (GRCh38, 1-based): chr8:24,953,599, C>T on the plus strand (G>A on the coding strand, the complement: NEFL is on the minus strand). VCF-style: chr8-24953599-C-T. GRCh37 (hg19) VCF-style: chr8-24811113-C-T.
Other names: short protein forms E456K.
Identifiers: ClinVar variation 1770936 (VCV001770936.2), dbSNP rs1276099058, ClinGen allele CA370620089.